The following is an entry in ClinVar:

NM_003227.4(TFR2):c.2327T>C (p.Leu776Pro)

Gene: TFR2 (transferrin receptor 2; minus strand). Cytogenetic location: 7q22.1.
Variant type: single nucleotide variant.
Coding change: c.2327T>C on transcript NM_003227.4 (MANE Select); coding-DNA position 2327, T replaced by C.
Protein change: p.Leu776Pro; replaces leucine 776 with proline.
Molecular consequence: missense variant.
Genome position (GRCh38, 1-based): chr7:100,620,936, A>G on the plus strand (T>C on the coding strand, the complement: TFR2 is on the minus strand). VCF-style: chr7-100620936-A-G. GRCh37 (hg19) VCF-style: chr7-100218559-A-G.
Other names: c.1814T>C, p.Leu605Pro (NM_001206855.3); c.2327T>C (NM_003227.3); short protein forms L605P, L776P.
Identifiers: ClinVar variation 2189149 (VCV002189149.3), dbSNP rs375561858, ClinGen allele CA4386153.

ClinVar aggregate classification (germline): Uncertain significance. Review status: criteria provided, multiple submitters, no conflicts (2 of 4 stars). 2 submissions from 2 submitters: Uncertain significance (2). Last evaluated 2025-08-10.

Conditions:
Inborn genetic diseases. Identifiers: MedGen C0950123, MeSH D030342.
Hereditary hemochromatosis (HFE). Identifiers: MedGen C0392514, MONDO:0006507. Disease mechanism: loss of function.

Allele frequency attached by ClinVar (database versions not stated): gnomAD exomes 0.00001; TOPMed 0.00001; ExAC 0.00002; gnomAD 0.00002; ESP Exome Variant Server 0.00008.
gnomAD v4.1: 11 of 1,614,034 alleles (0.00068%); highest among the groups gnomAD compares: African/African-American, 0.0013%; no homozygotes.

Submissions (2):

Labcorp Genetics (formerly Invitae), Labcorp
Classification: Uncertain significance for Hereditary hemochromatosis. Last evaluated: 2025-08-10. Review status: criteria provided, single submitter. Criteria: Invitae Variant Classification Sherloc (09022015). Collection method: clinical testing. Allele origin: germline.
Comment: This sequence change replaces leucine, which is neutral and non-polar, with proline, which is neutral and non-polar, at codon 776 of the TFR2 protein (p.Leu776Pro). This variant is present in population databases (rs375561858, gnomAD 0.002%). This variant has not been reported in the literature in individuals affected with TFR2-related conditions. ClinVar contains an entry for this variant (Variation ID: 2189149). Invitae Evidence Modeling of protein sequence and biophysical properties (such as structural, functional, and spatial information, amino acid conservation, physicochemical variation, residue mobility, and thermodynamic stability) indicates that this missense variant is expected to disrupt TFR2 protein function with a positive predictive value of 95%. In summary, the available evidence is currently insufficient to determine the role of this variant in disease. Therefore, it has been classified as a Variant of Uncertain Significance.

Ambry Genetics
Classification: Uncertain significance for Inborn genetic diseases. Last evaluated: 2023-12-13. Review status: criteria provided, single submitter. Criteria: Ambry Variant Classification Scheme 2023. Collection method: clinical testing. Allele origin: germline.